The following is an entry in ClinVar:

NM_000092.5(COL4A4):c.2297_2298del (p.His766fs)

Gene: COL4A4 (collagen type IV alpha 4 chain; minus strand). Cytogenetic location: 2q36.3.
Variant type: Deletion.
Coding change: c.2297_2298del on transcript NM_000092.5 (MANE Select); coding-DNA positions 2297 to 2298, 2 bases deleted (AC; older notation c.2297_2298delAC).
Protein change: p.His766fs; shifts the reading frame from histidine 766.
Molecular consequence: frameshift variant.
Genome position (GRCh38, 1-based): chr2:227,059,490-227,059,491, GT deleted on the plus strand (AC on the coding strand, the reverse complement: COL4A4 is on the minus strand); deleting any 2 consecutive bases within chr2:227,059,490-227,059,492 gives the same sequence; the c. name uses the placement nearest the transcript's 3' end. VCF-style (leftmost placement, unchanged base first): chr2-227059489-GGT-G. GRCh37 (hg19) VCF-style: chr2-227924205-GGT-G.
Other names: short protein forms H766fs.
Identifiers: ClinVar variation 1726534 (VCV001726534.2), dbSNP rs2474220383, ClinGen allele CA2580065911.
Genomic context (GRCh38, chr2:227,059,489, plus strand): 5'-CACCTCTGGGTCCTTTTATCCCTGGCACTCCTGAAAGACCCCTCTTTCCCGGGGGTCCCA[GGT>G]GACCAAATGCAGGGTCTCCCGGGATTCCTTTCTGACCATTCACTCCTGGTGAGCCGGGAG-3'

ClinVar aggregate classification (germline): Likely pathogenic (1 of 4 stars; one submission).

Conditions:
Autosomal recessive Alport syndrome (ATS2). Also called: Alport syndrome type 2; COL4A4 Alport Syndrome and Thin Basement Membrane Nephropathy; ALPORT SYNDROME 2, AUTOSOMAL RECESSIVE; COL4A3-Related Nephropathy. Identifiers: Orphanet 63, Orphanet 88919, MedGen C4746745, MONDO:0008762, OMIM 203780.

Submission:

Myriad Genetics, Inc.
Classification: Likely pathogenic for Autosomal recessive Alport syndrome. Last evaluated: 2021-12-17. Review status: criteria provided, single submitter. Criteria: Myriad Women's Health Autosomal Recessive and X-Linked Classification Criteria (2021). Collection method: clinical testing. Allele origin: unknown.
Comment: NM_000092.4(COL4A4):c.2297_2298delAC(H766Pfs*21) is expected to be pathogenic in the context of COL4A4-related Alport syndrome. This variant is predicted to lead to an abnormal or absent protein product due to the creation of a premature termination codon in COL4A4, a gene where loss-of-function variants are known to be pathogenic. Please note: this variant was assessed in the context of healthy population screening.